The following is an entry in ClinVar:

NM_006005.3(WFS1):c.401C>T (p.Ala134Val)

Gene: WFS1 (wolframin ER transmembrane glycoprotein; plus strand). Cytogenetic location: 4p16.1.
Variant type: single nucleotide variant.
Coding change: c.401C>T on transcript NM_006005.3 (MANE Select); coding-DNA position 401, C replaced by T.
Protein change: p.Ala134Val; replaces alanine 134 with valine.
Molecular consequence: missense variant.
Genome position (GRCh38, 1-based): chr4:6,289,072, C>T. VCF-style: chr4-6289072-C-T. GRCh37 (hg19) VCF-style: chr4-6290799-C-T.
Other names: c.401C>T, p.Ala134Val (NM_001145853.1); short protein forms A134V.
Identifiers: ClinVar variation 1027526 (VCV001027526.8), dbSNP rs746010848, ClinGen allele CA2838885.

ClinVar aggregate classification (germline): Uncertain significance. Review status: criteria provided, multiple submitters, no conflicts (2 of 4 stars). 6 submissions from 6 submitters: Uncertain significance (6). Last evaluated 2025-08-14.

Conditions:
Autosomal dominant nonsyndromic hearing loss 6 (LFSNHL). Also called: Autosomal dominant nonsyndromic deafness 6; DEAFNESS, AUTOSOMAL DOMINANT 14; DEAFNESS, AUTOSOMAL DOMINANT 38; DEAFNESS, AUTOSOMAL DOMINANT 6. Identifiers: Orphanet 90635, MedGen C1833021, MONDO:0010963, OMIM 600965.
Spastic ataxia. Identifiers: Orphanet 316226, MedGen C1849156, MONDO:0017845, HP:0002497.
Type 2 diabetes mellitus. Also called: Type II diabetes mellitus. Identifiers: MedGen C0011860, MeSH D003924, MONDO:0005148, OMIM 125853, HP:0005978.
Cataract 41 (CTRCT41). Also called: CATARACT 41, CONGENITAL NUCLEAR TYPE. Identifiers: Orphanet 91492, Orphanet 98991, Orphanet 98992, Orphanet 98995, MedGen C3805412, MONDO:0007287, OMIM 116400.
Wolfram syndrome 1 (WFS1). Identifiers: Orphanet 3463, MedGen C4551693, MONDO:0009101, OMIM 222300.
Wolfram-like syndrome. Also called: HEARING LOSS, PROGRESSIVE, WITH OPTIC ATROPHY AND/OR IMPAIRED GLUCOSE REGULATION. Identifiers: Orphanet 411590, MedGen C3280358, MONDO:0013673, OMIM 614296.

Allele frequency attached by ClinVar (database versions not stated): gnomAD 0.00001 and 0.00002; gnomAD exomes 0.00001 and 0.00003; ExAC 0.00002; TOPMed 0.00002.
gnomAD v4.1: 40 of 1,591,286 alleles (0.0025%); highest among the groups gnomAD compares: Non-Finnish European, 0.0032%; no homozygotes.

Submissions (6):

Labcorp Genetics (formerly Invitae), Labcorp
Classification: Uncertain significance. Last evaluated: 2025-08-14. Review status: criteria provided, single submitter. Criteria: Invitae Variant Classification Sherloc (09022015). Collection method: clinical testing. Allele origin: germline.
Comment: This sequence change replaces alanine, which is neutral and non-polar, with valine, which is neutral and non-polar, at codon 134 of the WFS1 protein (p.Ala134Val). This variant is present in population databases (rs746010848, gnomAD 0.001%). This missense change has been observed in individual(s) with spinocerebellar ataxia and type 2 diabetes (PMID: 34445196, 37277527). ClinVar contains an entry for this variant (Variation ID: 1027526). Invitae Evidence Modeling of protein sequence and biophysical properties (such as structural, functional, and spatial information, amino acid conservation, physicochemical variation, residue mobility, and thermodynamic stability) indicates that this missense variant is not expected to disrupt WFS1 protein function with a negative predictive value of 95%. In summary, the available evidence is currently insufficient to determine the role of this variant in disease. Therefore, it has been classified as a Variant of Uncertain Significance.

Fulgent Genetics
Classification: Uncertain significance for Cataract 41; Type 2 diabetes mellitus; Wolfram syndrome 1; Autosomal dominant nonsyndromic hearing loss 6; Wolfram-like syndrome. Last evaluated: 2022-02-11. Review status: criteria provided, single submitter. Criteria: ACMG Guidelines, 2015. Collection method: clinical testing. Allele origin: unknown.

Blueprint Genetics
Classification: Uncertain significance. Last evaluated: 2021-03-05. Review status: criteria provided, single submitter. Criteria: ACMG Guidelines, 2015. Collection method: clinical testing. Allele origin: germline.

Molecular Medicine for Neurodegenerative and Neuromuscular Diseases Unit, IRCCS Fondazione Stella Maris
Classification: Uncertain significance for Spastic ataxia. Last evaluated: 2021-01-04. Review status: criteria provided, single submitter. Criteria: ACMG Guidelines, 2015. Collection method: research. Allele origin: unknown. Affected: yes.

Precision Medicine Center, Zhengzhou University
Classification: Uncertain significance for Autosomal dominant nonsyndromic hearing loss 6. Last evaluated: 2006-06-30. Review status: criteria provided, single submitter. Criteria: ClinGen HL ACMG Specifications v1. Collection method: clinical testing. Allele origin: maternal. Affected: yes.
Comment: PM2+PP3：The WFS1 c.401C>T variant is absent or extremely rare in population databases (PM2) and is predicted to be deleterious by multiple in silico prediction tools (PP3). However, no functional studies, segregation data, or sufficient clinical case evidence are currently available. According to ACMG/AMP guidelines, this variant is classified as a variant of uncertain significance (VUS), and further evidence is required to clarify its clinical relevance in hearing loss or related phenotypes.

Juno Genomics, Hangzhou Juno Genomics, Inc
Classification: Uncertain significance for Cataract 41; Type 2 diabetes mellitus; Autosomal dominant nonsyndromic hearing loss 6; Wolfram syndrome 1; Wolfram-like syndrome. Review status: criteria provided, single submitter. Criteria: ACMG Guidelines, 2015. Collection method: clinical testing. Allele origin: germline. Affected: yes.
Comment: Absent from controls (or at extremely low frequency if recessive) in Genome Aggregation Database, Exome Sequencing Project, 1000 Genomes Project, or Exome Aggregation Consortium.;Multiple lines of computational evidence support a deleterious effect on the gene or gene product (conservation, evolutionary, splicing impact, etc).

Literature cited by the submitters: PubMed 34445196 (cited by Labcorp Genetics (formerly Invitae), Labcorp); PubMed 37277527 (cited by Labcorp Genetics (formerly Invitae), Labcorp).